The following is an entry in ClinVar:

ClinVar aggregate classification (germline): Uncertain significance. Review status: criteria provided, multiple submitters, no conflicts (2 of 4 stars). 2 submissions from 2 submitters: Uncertain significance (2). Last evaluated 2024-01-24.

Conditions:
Inborn genetic diseases. Identifiers: MedGen C0950123, MeSH D030342.

Allele frequency attached by ClinVar (database versions not stated): TOPMed below 0.00001; ExAC 0.00001; gnomAD 0.00001; gnomAD exomes 0.00001.
gnomAD v4.1: 8 of 1,613,770 alleles (0.0005%); highest among the groups gnomAD compares: African/African-American, 0.0013%; no homozygotes.

Submissions (2):

Labcorp Genetics (formerly Invitae), Labcorp
Classification: Uncertain significance. Last evaluated: 2024-01-24. Review status: criteria provided, single submitter. Criteria: Invitae Variant Classification Sherloc (09022015). Collection method: clinical testing. Allele origin: germline.
Comment: This sequence change replaces proline, which is neutral and non-polar, with leucine, which is neutral and non-polar, at codon 123 of the RXYLT1 protein (p.Pro123Leu). This variant is present in population databases (rs776765214, gnomAD 0.002%). This variant has not been reported in the literature in individuals affected with RXYLT1-related conditions. ClinVar contains an entry for this variant (Variation ID: 2056756). Advanced modeling of protein sequence and biophysical properties (such as structural, functional, and spatial information, amino acid conservation, physicochemical variation, residue mobility, and thermodynamic stability) performed at Invitae indicates that this missense variant is not expected to disrupt RXYLT1 protein function with a negative predictive value of 80%. In summary, the available evidence is currently insufficient to determine the role of this variant in disease. Therefore, it has been classified as a Variant of Uncertain Significance.

Ambry Genetics
Classification: Uncertain significance for Inborn genetic diseases. Last evaluated: 2023-09-21. Review status: criteria provided, single submitter. Criteria: Ambry Variant Classification Scheme 2023. Collection method: clinical testing. Allele origin: germline.

NM_014254.3(RXYLT1):c.368C>T (p.Pro123Leu)

Gene: RXYLT1 (ribitol xylosyltransferase 1; plus strand). Cytogenetic location: 12q14.2.
Variant type: single nucleotide variant.
Coding change: c.368C>T on transcript NM_014254.3 (MANE Select); coding-DNA position 368, C replaced by T.
Protein change: p.Pro123Leu; replaces proline 123 with leucine.
Molecular consequence: missense variant. On other transcripts: 5 prime UTR variant (1).
Genome position (GRCh38, 1-based): chr12:63,785,012, C>T. VCF-style: chr12-63785012-C-T. GRCh37 (hg19) VCF-style: chr12-64178792-C-T.
Other names: c.-413C>T (NM_001278237.2); c.368C>T (NM_014254.1); short protein forms P123L.
Identifiers: ClinVar variation 2056756 (VCV002056756.5), dbSNP rs776765214, ClinGen allele CA6666082.